The following is an entry in ClinVar:

NM_001330691.3(CEP78):c.1780C>A (p.Gln594Lys)

Gene: CEP78 (centrosomal protein 78; plus strand). Cytogenetic location: 9q21.2.
Variant type: single nucleotide variant.
Coding change: c.1780C>A on transcript NM_001330691.3 (MANE Select); coding-DNA position 1780, C replaced by A.
Protein change: p.Gln594Lys; replaces glutamine 594 with lysine.
Molecular consequence: missense variant.
Genome position (GRCh38, 1-based): chr9:78,265,526, C>A. VCF-style: chr9-78265526-C-A. GRCh37 (hg19) VCF-style: chr9-80880442-C-A.
Other names: c.1783C>A, p.Gln595Lys (NM_001098802.3, NM_001349839.2, NM_001349840.2 and 1 more transcripts); c.1780C>A, p.Gln594Lys (NM_001330693.3, NM_001330694.2, NM_001349838.2); short protein forms Q595K, Q594K.
Identifiers: ClinVar variation 667040 (VCV000667040.32), dbSNP rs61730342, ClinGen allele CA5095349.
Genomic context (GRCh38, chr9:78,265,526, plus strand): 5'-AAAGAAGAAAAGAAGGCGCTTGAAGATGAAAAACCAGAACCGAAGCAGAATGCCCTAGGG[C>A]AAATGCAAAATATCCAGGTAAATGAATAGAACAGAACTTAGTGATTCTACAAGTGATTAG-3'
Protein context (NP_001317620.1, residues 584-604): KPEPKQNALG[Gln594Lys]MQNIQVSICM

ClinVar aggregate classification (germline): Benign/Likely benign. Review status: criteria provided, multiple submitters, no conflicts (2 of 4 stars). 6 submissions from 6 submitters: Benign (3); Likely benign (2). 1 of the submissions does not count toward it. Last evaluated 2026-08-01.

Conditions:
CEP78-related disorder. Also called: CEP78-related condition.

Allele frequency attached by ClinVar (database versions not stated): 1000 Genomes Project 0.00200; gnomAD 0.00321 and 0.00328; ESP Exome Variant Server 0.00364; ExAC 0.00463; 1000 Genomes Project 30x 0.00203; TOPMed 0.00286; gnomAD exomes 0.00302.
gnomAD v4.1: 6,831 of 1,569,830 alleles (0.44%); highest among the groups gnomAD compares: Non-Finnish European, 0.54%; 19 homozygotes.

Submissions (6):

CeGaT Center for Human Genetics Tuebingen
Classification: Likely benign. Last evaluated: 2026-08-01. Review status: criteria provided, single submitter. Criteria: CeGaT Center For Human Genetics Tuebingen Variant Classification Criteria Version 2. Collection method: clinical testing. Allele origin: germline. Affected: yes. Observed: 6 variant alleles.
Comment: CEP78: BP4, BS2

Labcorp Genetics (formerly Invitae), Labcorp
Classification: Benign. Last evaluated: 2026-02-01. Review status: criteria provided, single submitter. Criteria: Invitae Variant Classification Sherloc (09022015). Collection method: clinical testing. Allele origin: germline.

Blueprint Genetics
Classification: Likely benign. Last evaluated: 2024-11-15. Review status: criteria provided, single submitter. Criteria: ACMG Guidelines, 2015. Collection method: clinical testing. Allele origin: germline.

Laboratory for Molecular Medicine, Mass General Brigham Personalized Medicine
Classification: Benign. Last evaluated: 2017-08-23. Review status: criteria provided, single submitter. Criteria: LMM Criteria. Collection method: clinical testing. Allele origin: germline. Observed: 2 variant alleles.
Comment: p.Gln595Lys in exon 14 of CEP78: This variant is not expected to have clinical s ignificance because it has been identified in 0.76% (125/16476) of European chro mosomes by the Exome Aggregation Consortium (ExAC, g; dbSNP rs61730342).

Breakthrough Genomics
Classification: Benign. Review status: criteria provided, single submitter. Criteria: ACMG Guidelines, 2015. Collection method: not provided. Allele origin: germline. Inheritance: Autosomal recessive inheritance. Affected: yes.

PreventionGenetics, part of Exact Sciences
Classification: Likely benign for CEP78-related condition. Last evaluated: 2019-07-22. Review status: no assertion criteria provided. Collection method: clinical testing. Allele origin: germline. Not counted in ClinVar's aggregate classification.
Comment: This variant is classified as likely benign based on ACMG/AMP sequence variant interpretation guidelines (Richards et al. 2015 PMID: 25741868, with internal and published modifications).